The following is an entry in ClinVar:

NM_006939.4(SOS2):c.715-18_715-17inv

Gene: SOS2 (SOS Ras/Rho guanine nucleotide exchange factor 2; minus strand). Cytogenetic location: 14q21.3.
Variant type: Inversion.
Coding change: c.715-18_715-17inv on transcript NM_006939.4 (MANE Select).
Molecular consequence: intron variant.
Genome position: GRCh38 VCF-style: chr14-50182623-AA-TT. GRCh37 (hg19) VCF-style: chr14-50649341-AA-TT.
Other names: c.715-18_715-17inv (NM_001411020.1).
Identifiers: ClinVar variation 2717552 (VCV002717552.3), ClinGen allele CA2697553914.

ClinVar aggregate classification (germline): Uncertain significance (1 of 4 stars; one submission).

Conditions:
Noonan syndrome 9 (NS9). Identifiers: Orphanet 648, MedGen C4225282, MONDO:0014691, OMIM 616559.

Submission:

Labcorp Genetics (formerly Invitae), Labcorp
Classification: Uncertain significance for Noonan syndrome 9. Last evaluated: 2023-06-16. Review status: criteria provided, single submitter. Criteria: Invitae Variant Classification Sherloc (09022015). Collection method: clinical testing. Allele origin: germline.
Comment: Information on the frequency of this variant in the gnomAD database is not available, as this variant may be reported differently in the database. This variant has not been reported in the literature in individuals affected with SOS2-related conditions. In summary, the available evidence is currently insufficient to determine the role of this variant in disease. Therefore, it has been classified as a Variant of Uncertain Significance. This sequence change falls in intron 5 of the SOS2 gene. It does not directly change the encoded amino acid sequence of the SOS2 protein.